The following is an entry in ClinVar:

NM_004360.5(CDH1):c.2370C>T (p.Thr790=)

Gene: CDH1 (cadherin 1; plus strand). Cytogenetic location: 16q22.1.
Variant type: single nucleotide variant.
Coding change: c.2370C>T on transcript NM_004360.5 (MANE Select); coding-DNA position 2370, C replaced by T.
Protein change: p.Thr790=; no amino-acid change (threonine 790 retained).
Molecular consequence: synonymous variant.
Genome position (GRCh38, 1-based): chr16:68,829,728, C>T. VCF-style: chr16-68829728-C-T. GRCh37 (hg19) VCF-style: chr16-68863631-C-T.
Other names: c.822C>T, p.Thr274= (NM_001317185.2); c.405C>T, p.Thr135= (NM_001317186.2); c.2187C>T, p.Thr729= (NM_001317184.2).
Identifiers: ClinVar variation 793906 (VCV000793906.15), dbSNP rs1596972620, ClinGen allele CA496157452.

ClinVar aggregate classification (germline): Benign/Likely benign. Review status: criteria provided, multiple submitters, no conflicts (2 of 4 stars). 4 submissions from 4 submitters: Benign (1); Likely benign (3). Last evaluated 2026-01-07.

Conditions:
Hereditary cancer-predisposing syndrome. Also called: Neoplastic Syndromes, Hereditary; Hereditary Cancer Syndrome; Tumor predisposition; Hereditary neoplastic syndrome. Identifiers: Orphanet 140162, MedGen C0027672, MeSH D009386, MONDO:0015356.
Hereditary diffuse gastric adenocarcinoma (HDGC). Also called: DIFFUSE GASTRIC AND LOBULAR BREAST CANCER SYNDROME. Identifiers: Orphanet 26106, MedGen C1708349, MONDO:0007648, OMIM 137215.

Allele frequency attached by ClinVar (database versions not stated): gnomAD exomes below 0.00001.
gnomAD v4.1: 1 of 1,614,124 alleles (0.000062%); highest among the groups gnomAD compares: South Asian, 0.0011%; no homozygotes.

Submissions (4):

Labcorp Genetics (formerly Invitae), Labcorp
Classification: Likely benign for Hereditary diffuse gastric adenocarcinoma. Last evaluated: 2026-01-07. Review status: criteria provided, single submitter. Criteria: Invitae Variant Classification Sherloc (09022015). Collection method: clinical testing. Allele origin: germline.

Myriad Genetics, Inc.
Classification: Benign for Hereditary diffuse gastric adenocarcinoma. Last evaluated: 2024-09-23. Review status: criteria provided, single submitter. Criteria: Myriad Autosomal Dominant, Autosomal Recessive and X-Linked Classification Criteria (2023). Collection method: clinical testing. Allele origin: unknown.
Comment: This variant is considered benign. This variant is a silent/synonymous amino acid change and it is not expected to impact splicing.

Women's Health and Genetics/Laboratory Corporation of America, LabCorp
Classification: Likely benign. Last evaluated: 2022-02-21. Review status: criteria provided, single submitter. Criteria: LabCorp Variant Classification Summary - May 2015. Collection method: clinical testing. Allele origin: germline.

Ambry Genetics
Classification: Likely benign for Hereditary cancer-predisposing syndrome. Last evaluated: 2019-12-22. Review status: criteria provided, single submitter. Criteria: Ambry Variant Classification Scheme 2023. Collection method: clinical testing. Allele origin: germline.